The following is an entry in ClinVar:

NM_006059.4(LAMC3):c.1193C>G (p.Thr398Arg)

Gene: LAMC3 (laminin subunit gamma 3; plus strand). Cytogenetic location: 9q34.12.
Variant type: single nucleotide variant.
Coding change: c.1193C>G on transcript NM_006059.4 (MANE Select); coding-DNA position 1193, C replaced by G.
Protein change: p.Thr398Arg; replaces threonine 398 with arginine.
Molecular consequence: missense variant.
Genome position (GRCh38, 1-based): chr9:131,039,158, C>G. VCF-style: chr9-131039158-C-G. GRCh37 (hg19) VCF-style: chr9-133914545-C-G.
Other names: short protein forms T398R.
Identifiers: ClinVar variation 1051298 (VCV001051298.8), dbSNP rs1387535460, ClinGen allele CA375259654.
Genomic context (GRCh38, chr9:131,039,158, plus strand): 5'-GGCCTCAATTGCCCTGTGCCCTTCCTCTCCCAGGCTCCCTACACCTCCAGTGCGATGACA[C>G]AGGCACCTGCGCCTGCAAGCCCACGGTGACTGGCTGGAAGTGTGACCGCTGTCTGCCCGG-3'
Protein context (NP_006050.3, residues 388-408): AGSLHLQCDD[Thr398Arg]GTCACKPTVT

ClinVar aggregate classification (germline): Uncertain significance. Review status: criteria provided, multiple submitters, no conflicts (2 of 4 stars). 3 submissions from 3 submitters: Uncertain significance (3). Last evaluated 2024-11-08.

Conditions:
Inborn genetic diseases. Identifiers: MedGen C0950123, MeSH D030342.

Submissions (3):

Ambry Genetics
Classification: Uncertain significance for Inborn genetic diseases. Last evaluated: 2024-11-08. Review status: criteria provided, single submitter. Criteria: Ambry Variant Classification Scheme 2023. Collection method: clinical testing. Allele origin: germline.

Labcorp Genetics (formerly Invitae), Labcorp
Classification: Uncertain significance. Last evaluated: 2021-08-13. Review status: criteria provided, single submitter. Criteria: Invitae Variant Classification Sherloc (09022015). Collection method: clinical testing. Allele origin: germline.
Comment: This sequence change replaces threonine with arginine at codon 398 of the LAMC3 protein (p.Thr398Arg). The threonine residue is weakly conserved and there is a moderate physicochemical difference between threonine and arginine. This variant is not present in population databases (ExAC no frequency). This missense change has been observed in individual(s) with clinical features of LAMC3-related conditions (Invitae). Algorithms developed to predict the effect of missense changes on protein structure and function (SIFT, PolyPhen-2, Align-GVGD) all suggest that this variant is likely to be tolerated. In summary, the available evidence is currently insufficient to determine the role of this variant in disease. Therefore, it has been classified as a Variant of Uncertain Significance.

GeneDx
Classification: Uncertain significance. Last evaluated: 2019-08-21. Review status: criteria provided, single submitter. Criteria: GeneDx Variant Classification Process June 2021. Collection method: clinical testing. Allele origin: germline. Affected: yes.
Comment: Not observed in large population cohorts (Lek et al., 2016); In silico analysis, which includes protein predictors and evolutionary conservation, supports that this variant does not alter protein structure/function; Has not been previously published as pathogenic or benign to our knowledge